The following is an entry in ClinVar:

NM_015107.3(PHF8):c.2561C>T (p.Pro854Leu)

Gene: PHF8 (PHD finger protein 8; minus strand). Cytogenetic location: Xp11.22.
Variant type: single nucleotide variant.
Coding change: c.2561C>T on transcript NM_015107.3 (MANE Select); coding-DNA position 2561, C replaced by T.
Protein change: p.Pro854Leu; replaces proline 854 with leucine.
Molecular consequence: missense variant.
Genome position (GRCh38, 1-based): chrX:53,944,222, G>A on the plus strand (C>T on the coding strand, the complement: PHF8 is on the minus strand). VCF-style: chrX-53944222-G-A. GRCh37 (hg19) VCF-style: chrX-53970655-G-A.
Other names: c.2669C>T, p.Pro890Leu (NM_001184896.1); c.2258C>T, p.Pro753Leu (NM_001184897.2); c.2510C>T, p.Pro837Leu (NM_001184898.2); short protein forms P753L, P837L, P854L, P890L.
Identifiers: ClinVar variation 2630637 (VCV002630637.1), dbSNP rs781843717, ClinGen allele CA10423265.

ClinVar aggregate classification (germline): Uncertain significance (1 of 4 stars; one submission).

Conditions:
PHF8-related disorder. Also called: PHF8-related condition.

Allele frequency attached by ClinVar (database versions not stated): gnomAD exomes below 0.00001; ExAC 0.00001; TOPMed 0.00001; gnomAD 0.00002.
gnomAD v4.1: 4 of 1,205,751 alleles (0.00033%); highest among the groups gnomAD compares: Admixed American, 0.0022%; no homozygotes.

Submission:

PreventionGenetics, part of Exact Sciences
Classification: Uncertain significance for PHF8-related condition. Last evaluated: 2023-03-29. Review status: criteria provided, single submitter. Criteria: ACMG Guidelines, 2015. Collection method: clinical testing. Allele origin: germline.
Comment: The PHF8 c.2561C>T variant is predicted to result in the amino acid substitution p.Pro854Leu. To our knowledge, this variant has not been reported in the literature or in a large population database, indicating this variant is rare. At this time, the clinical significance of this variant is uncertain due to the absence of conclusive functional and genetic evidence.